The following is an entry in ClinVar:

NM_004082.5(DCTN1):c.175G>C (p.Gly59Arg)

Gene: DCTN1 (dynactin subunit 1; minus strand). Cytogenetic location: 2p13.1.
Variant type: single nucleotide variant.
Coding change: c.175G>C on transcript NM_004082.5 (MANE Select); coding-DNA position 175, G replaced by C.
Protein change: p.Gly59Arg; replaces glycine 59 with arginine.
Molecular consequence: missense variant. On other transcripts: non-coding transcript variant (1).
Genome position (GRCh38, 1-based): chr2:74,378,104, C>G on the plus strand (G>C on the coding strand, the complement: DCTN1 is on the minus strand). VCF-style: chr2-74378104-C-G. GRCh37 (hg19) VCF-style: chr2-74605231-C-G.
Other names: c.175G>C (NM_004082.4); c.175G>C, p.Gly59Arg (NM_001135040.3, NM_001190837.2); c.124G>C, p.Gly42Arg (NM_001190836.2, NM_001378991.1, NM_001378992.1); short protein forms G42R, G59R.
Identifiers: ClinVar variation 1458171 (VCV001458171.9), dbSNP rs121909342, ClinGen allele CA347322341.

ClinVar aggregate classification (germline): Pathogenic. Review status: criteria provided, single submitter (1 of 4 stars). 2 submissions from 2 submitters: Pathogenic (1). 1 of the submissions does not count toward it. Last evaluated 2025-03-30.

Conditions:
Amyotrophic lateral sclerosis type 1 (ALS1). Also called: AMYOTROPHIC LATERAL SCLEROSIS 1, FAMILIAL. Identifiers: Orphanet 803, MedGen C1862939, MONDO:0007103, OMIM 105400.
Neuronopathy, distal hereditary motor, type 7B. Also called: Distal Hereditary Motor Neuronopathy Type 7B (dHMN7B); HMN VIIB; LOWER MOTOR NEURON DISEASE, DYNACTIN TYPE; NEURONOPATHY, DISTAL HEREDITARY MOTOR, AUTOSOMAL DOMINANT 14; NEURONOPATHY, DISTAL HEREDITARY MOTOR, HARDING TYPE VIIB; NEUROPATHY, DISTAL HEREDITARY MOTOR, HARDING TYPE VIIB. Identifiers: Orphanet 139589, MedGen C1843315, MONDO:0011879, OMIM 607641.
Perry syndrome. Also called: PARKINSONISM WITH ALVEOLAR HYPOVENTILATION AND MENTAL DEPRESSION. Identifiers: Orphanet 178509, MedGen C1868594, MONDO:0008201, OMIM 168605.

Submissions (2):

Labcorp Genetics (formerly Invitae), Labcorp
Classification: Pathogenic for Amyotrophic lateral sclerosis type 1; Neuronopathy, distal hereditary motor, type 7B; Perry syndrome. Last evaluated: 2025-03-30. Review status: criteria provided, single submitter. Criteria: Invitae Variant Classification Sherloc (09022015). Collection method: clinical testing. Allele origin: germline.
Comment: This sequence change replaces glycine, which is neutral and non-polar, with arginine, which is basic and polar, at codon 59 of the DCTN1 protein (p.Gly59Arg). This variant is not present in population databases (gnomAD no frequency). This missense change has been observed in individuals with amyotrophic lateral sclerosis (PMID: 25109764; internal data). It has also been observed to segregate with disease in related individuals. ClinVar contains an entry for this variant (Variation ID: 1458171). Invitae Evidence Modeling of protein sequence and biophysical properties (such as structural, functional, and spatial information, amino acid conservation, physicochemical variation, residue mobility, and thermodynamic stability) indicates that this missense variant is expected to disrupt DCTN1 protein function with a positive predictive value of 95%. This variant disrupts the p.Gly59 amino acid residue in DCTN1. Other variant(s) that disrupt this residue have been determined to be pathogenic (PMID: 12627231, 16505168, 19279216, 23143281, 27573046). This suggests that this residue is clinically significant, and that variants that disrupt this residue are likely to be disease-causing. For these reasons, this variant has been classified as Pathogenic.

Inherited Neuropathy Consortium Ii, University Of Miami
Classification: Uncertain significance for Perry syndrome. Last evaluated: 2016-01-06. Review status: no assertion criteria provided. Collection method: literature only. Allele origin: germline. Affected: yes. Not counted in ClinVar's aggregate classification.

Literature cited by the submitters: PubMed 25109764 (cited by Labcorp Genetics (formerly Invitae), Labcorp and Inherited Neuropathy Consortium Ii, University Of Miami); PubMed 12627231 (cited by Labcorp Genetics (formerly Invitae), Labcorp); PubMed 16505168 (cited by Labcorp Genetics (formerly Invitae), Labcorp); PubMed 19279216 (cited by Labcorp Genetics (formerly Invitae), Labcorp); PubMed 23143281 (cited by Labcorp Genetics (formerly Invitae), Labcorp); PubMed 27573046 (cited by Labcorp Genetics (formerly Invitae), Labcorp).